The following is an entry in ClinVar:

ClinVar aggregate classification (germline): Uncertain significance (1 of 4 stars; one submission).

Allele frequency attached by ClinVar (database versions not stated): TOPMed 0.00002; ESP Exome Variant Server 0.00008.

Submission:

Labcorp Genetics (formerly Invitae), Labcorp
Classification: Uncertain significance. Last evaluated: 2022-11-17. Review status: criteria provided, single submitter. Criteria: Invitae Variant Classification Sherloc (09022015). Collection method: clinical testing. Allele origin: germline.
Comment: Algorithms developed to predict the effect of missense changes on protein structure and function output the following: SIFT: "Tolerated"; PolyPhen-2: "Benign"; Align-GVGD: "Class C0". The asparagine amino acid residue is found in multiple mammalian species, which suggests that this missense change does not adversely affect protein function. This variant has not been reported in the literature in individuals affected with VPS13C-related conditions. The frequency data for this variant in the population databases is considered unreliable, as metrics indicate poor data quality at this position in the gnomAD database. This sequence change replaces threonine, which is neutral and polar, with asparagine, which is neutral and polar, at codon 3716 of the VPS13C protein (p.Thr3716Asn). In summary, the available evidence is currently insufficient to determine the role of this variant in disease. Therefore, it has been classified as a Variant of Uncertain Significance.

NM_020821.3(VPS13C):c.11147C>A (p.Thr3716Asn)

Gene: VPS13C (vacuolar protein sorting 13 homolog C; minus strand). Cytogenetic location: 15q22.2.
Variant type: single nucleotide variant.
Coding change: c.11147C>A on transcript NM_020821.3 (MANE Select); coding-DNA position 11147, C replaced by A.
Protein change: p.Thr3716Asn; replaces threonine 3716 with asparagine.
Molecular consequence: missense variant.
Genome position (GRCh38, 1-based): chr15:61,854,884, G>T on the plus strand (C>A on the coding strand, the complement: VPS13C is on the minus strand). VCF-style: chr15-61854884-G-T. GRCh37 (hg19) VCF-style: chr15-62147083-G-T.
Other names: c.11018C>A, p.Thr3673Asn (NM_017684.5); short protein forms T3716N, T3673N.
Identifiers: ClinVar variation 2988417 (VCV002988417.3), dbSNP rs374500259, ClinGen allele CA7594089.